The following is an entry in ClinVar:

NM_003906.5(MCM3AP):c.740_741delinsGC (p.Asn247Ser)

Gene: MCM3AP (minichromosome maintenance complex component 3 associated protein; minus strand). Cytogenetic location: 21q22.3.
Variant type: Indel.
Coding change: c.740_741delinsGC on transcript NM_003906.5 (MANE Select); coding-DNA positions 740 to 741, AT replaced by GC.
Protein change: p.Asn247Ser; replaces asparagine 247 with serine.
Molecular consequence: missense variant.
Genome position (GRCh38, 1-based): chr21:46,284,546-46,284,547, AT replaced by GC on the plus strand (AT replaced by GC on the coding strand, the reverse complement: MCM3AP is on the minus strand). VCF-style: chr21-46284546-AT-GC. GRCh37 (hg19) VCF-style: chr21-47704460-AT-GC.
Other names: short protein forms N247S.
Identifiers: ClinVar variation 1437774 (VCV001437774.3), dbSNP rs2145727813, ClinGen allele CA2573157528.

ClinVar aggregate classification (germline): Uncertain significance (1 of 4 stars; one submission).

Submission:

Labcorp Genetics (formerly Invitae), Labcorp
Classification: Uncertain significance. Last evaluated: 2022-06-10. Review status: criteria provided, single submitter. Criteria: Invitae Variant Classification Sherloc (09022015). Collection method: clinical testing. Allele origin: germline.
Comment: This sequence change replaces asparagine, which is neutral and polar, with serine, which is neutral and polar, at codon 247 of the MCM3AP protein (p.Asn247Ser). This variant is present in population databases (no rsID available, gnomAD 1.0%). This variant has not been reported in the literature in individuals affected with MCM3AP-related conditions. Algorithms developed to predict the effect of missense changes on protein structure and function are either unavailable or do not agree on the potential impact of this missense change (SIFT: "Not Available"; PolyPhen-2: "Benign"; Align-GVGD: "Not Available"). In summary, the available evidence is currently insufficient to determine the role of this variant in disease. Therefore, it has been classified as a Variant of Uncertain Significance.